The following is an entry in ClinVar:

NC_000019.10:g.39480686A>T

Gene: TIMM50 (translocase of inner mitochondrial membrane 50; plus strand). Cytogenetic location: 19q13.2.
Variant type: single nucleotide variant.
Genome position: GRCh38 VCF-style: chr19-39480686-A-T. GRCh37 (hg19) VCF-style: chr19-39971326-A-T.
Identifiers: ClinVar variation 2164565 (VCV002164565.4), dbSNP rs1219513554, ClinGen allele CA405785431.

ClinVar aggregate classification (germline): Uncertain significance. Review status: criteria provided, multiple submitters, no conflicts (2 of 4 stars). 2 submissions from 2 submitters: Uncertain significance (2). Last evaluated 2025-03-18.

Conditions:
Inborn genetic diseases. Identifiers: MedGen C0950123, MeSH D030342.

Allele frequency attached by ClinVar (database versions not stated): TOPMed below 0.00001.

Submissions (2):

Ambry Genetics
Classification: Uncertain significance for Inborn genetic diseases. Last evaluated: 2025-03-18. Review status: criteria provided, single submitter. Criteria: Ambry Variant Classification Scheme 2023. Collection method: clinical testing. Allele origin: germline.

Labcorp Genetics (formerly Invitae), Labcorp
Classification: Uncertain significance. Last evaluated: 2024-08-14. Review status: criteria provided, single submitter. Criteria: Invitae Variant Classification Sherloc (09022015). Collection method: clinical testing. Allele origin: germline.
Comment: This sequence change replaces arginine, which is basic and polar, with tryptophan, which is neutral and slightly polar, at codon 48 of the TIMM50 protein (p.Arg48Trp). This variant is present in population databases (no rsID available, gnomAD 0.003%). This variant has not been reported in the literature in individuals affected with TIMM50-related conditions. ClinVar contains an entry for this variant (Variation ID: 2164565). An algorithm developed to predict the effect of missense changes on protein structure and function (PolyPhen-2) suggests that this variant¬†is likely to be tolerated. In summary, the available evidence is currently insufficient to determine the role of this variant in disease. Therefore, it has been classified as a Variant of Uncertain Significance.